The following is an entry in ClinVar:

NM_000038.6(APC):c.146A>G (p.Lys49Arg)

Gene: APC (APC regulator of Wnt signaling pathway; plus strand). Cytogenetic location: 5q22.2.
Variant type: single nucleotide variant.
Coding change: c.146A>G on transcript NM_000038.6 (MANE Select); coding-DNA position 146, A replaced by G.
Protein change: p.Lys49Arg; replaces lysine 49 with arginine.
Molecular consequence: missense variant. On other transcripts: 5 prime UTR variant (4).
Genome position (GRCh38, 1-based): chr5:112,766,336, A>G. VCF-style: chr5-112766336-A-G. GRCh37 (hg19) VCF-style: chr5-112102033-A-G.
Other names: c.146A>G, p.Lys49Arg (NM_001127510.3, NM_001354895.2, NM_001354896.2 and 2 more transcripts); c.176A>G, p.Lys59Arg (NM_001127511.3, NM_001354897.2, NM_001354902.2); c.71A>G, p.Lys24Arg (NM_001354898.2, NM_001354904.2); c.-32A>G (NM_001354900.2, NM_001354901.2, NM_001354905.2); c.-890A>G (NM_001354906.2); short protein forms K49R, K59R, K24R.
Identifiers: ClinVar variation 141221 (VCV000141221.3), dbSNP rs587781587, ClinGen allele CA005192.

ClinVar aggregate classification (germline): Uncertain significance (1 of 4 stars; one submission).

Conditions:
Hereditary cancer-predisposing syndrome. Also called: Neoplastic Syndromes, Hereditary; Tumor predisposition; Hereditary Cancer Syndrome; Hereditary neoplastic syndrome. Identifiers: Orphanet 140162, MedGen C0027672, MeSH D009386, MONDO:0015356.

Submission:

Ambry Genetics
Classification: Uncertain significance for Hereditary cancer-predisposing syndrome. Last evaluated: 2013-09-27. Review status: criteria provided, single submitter. Criteria: Ambry Autosomal Dominant and X-Linked criteria (10/2015). Collection method: clinical testing. Allele origin: germline. Observed: 1 variant allele.
Comment: Ã¢â‚¬â€¹The p.K49R variant (also known as c.146A>G) is located in coding exon 2 of the APC gene. This alteration results from a A to G substitution at nucleotide position 146. The lysine at codon 49 is replaced by arginine, an amino acid with highly similar properties. This variant was not reported in population-based cohorts in the following databases: Database of Single Nucleotide Polymorphisms (dbSNP), NHLBI Exome Sequencing Project (ESP) and 1000 Genomes Project. To date, this alteration has been detected with an allele frequency of approximately 0.02% (greater than 6000 alleles tested) in our clinical cohort (includes this individual). Based on protein sequence alignment, this amino acid position is highly conserved in available vertebrate species. In addition, this alteration is predicted to be probably damging, but tolerated by PolyPhen and SIFT in silico analyses, respectively. Since supporting evidence is limited at this time, the clinical significance of p.I391V remains unclear.